The following is an entry in ClinVar:

NM_001848.3(COL6A1):c.1591del (p.Arg531fs)

Gene: COL6A1 (collagen type VI alpha 1 chain; plus strand). Cytogenetic location: 21q22.3.
Variant type: Deletion.
Coding change: c.1591del on transcript NM_001848.3 (MANE Select); coding-DNA position 1591, one base deleted (A; older notation c.1591delA).
Protein change: p.Arg531fs; shifts the reading frame from arginine 531.
Molecular consequence: frameshift variant.
Genome position (GRCh38, 1-based): chr21:45,998,413, A deleted. VCF-style (leftmost placement, unchanged base first): chr21-45998412-CA-C. GRCh37 (hg19) VCF-style: chr21-47418326-CA-C.
Other names: short protein forms R531fs.
Identifiers: ClinVar variation 848030 (VCV000848030.8), dbSNP rs2077819120, ClinGen allele CA916081962.
Genomic context (GRCh38, chr21:45,998,412, plus strand): 5'-CTCTCAAATCAGAACCCGGTATCACTGCCCTGCTTTTCCATGACAGGGGTATCCGGGCAA[CA>C]GGGGCGCTCCCGGGATAAACGTGAGTACGCCCCCTCCTCCATCTGGCTGTGGGCACACAA-3'

ClinVar aggregate classification (germline): Pathogenic (1 of 4 stars; one submission).

Conditions:
Bethlem myopathy 1A. Also called: MYOPATHY, BENIGN CONGENITAL, WITH CONTRACTURES; Bethlem Muscular Dystrophy; Bethlem myopathy 1. Identifiers: Orphanet 610, MedGen CN029274, MONDO:0024530, OMIM 158810.

Submission:

Labcorp Genetics (formerly Invitae), Labcorp
Classification: Pathogenic for Bethlem myopathy 1A. Last evaluated: 2019-12-03. Review status: criteria provided, single submitter. Criteria: Invitae Variant Classification Sherloc (09022015). Collection method: clinical testing. Allele origin: germline.
Comment: Loss-of-function variants in COL6A1 are known to be pathogenic (PMID: 19884007, 20976770). For these reasons, this variant has been classified as Pathogenic. This variant has not been reported in the literature in individuals with COL6A1-related conditions. This variant is not present in population databases (ExAC no frequency). This sequence change creates a premature translational stop signal (p.Arg531Glyfs*6) in the COL6A1 gene. It is expected to result in an absent or disrupted protein product.

Literature cited by the submitters: PubMed 19884007; PubMed 20976770.